The following is an entry in ClinVar:

NM_016156.6(MTMR2):c.1131C>T (p.Thr377=)

Gene: MTMR2 (myotubularin related protein 2; minus strand). Cytogenetic location: 11q21.
Variant type: single nucleotide variant.
Coding change: c.1131C>T on transcript NM_016156.6 (MANE Select); coding-DNA position 1131, C replaced by T.
Protein change: p.Thr377=; no amino-acid change (threonine 377 retained).
Molecular consequence: synonymous variant.
Genome position (GRCh38, 1-based): chr11:95,847,762, G>A on the plus strand (C>T on the coding strand, the complement: MTMR2 is on the minus strand). VCF-style: chr11-95847762-G-A. GRCh37 (hg19) VCF-style: chr11-95580926-G-A.
Other names: p.Thr377=; c.915C>T, p.Thr305= (NM_001243571.2, NM_201278.3, NM_201281.3).
Identifiers: ClinVar variation 260685 (VCV000260685.24), dbSNP rs566204, ClinGen allele CA6240095.
Genomic context (GRCh38, chr11:95,847,762, plus strand): 5'-ACACACACCCACCTTAATATGTTCTAGCCAATGAGTAGATTCCAAGTTAGACAACCAGTG[G>A]GTTTCCTCAATGTTGGGGTACACAATCTCCTTAAGTTTTCGTAATGATTCTCTCATAACA-3'
Protein context (NP_057240.3, residues 367-387): KEIVYPNIEE[Thr377=]HWLSNLESTH

ClinVar aggregate classification (germline): Benign. Review status: criteria provided, multiple submitters, no conflicts (2 of 4 stars). 11 submissions from 11 submitters: Benign (9). 2 of the submissions do not count toward it. Last evaluated 2026-02-04.

Conditions:
Charcot-Marie-Tooth disease. Also called: Charcot-Marie-Tooth Neuropathy; Charcot-Marie-Tooth Hereditary Neuropathy. Identifiers: Orphanet 166, MedGen C0007959, MONDO:0015626.
Charcot-Marie-Tooth disease type 4. Also called: Charcot-Marie-Tooth disease, type IV; Charcot-Marie-Tooth, Type 4. Identifiers: Orphanet 64749, MedGen C4082197, MONDO:0018995.
Charcot-Marie-Tooth disease type 4B1. Also called: Charcot-Marie-Tooth Neuropathy Type 4B1; CHARCOT-MARIE-TOOTH DISEASE, AUTOSOMAL RECESSIVE, WITH FOCALLY FOLDED MYELIN SHEATHS, AUTOSOMAL RECESSIVE, TYPE 4B1; CHARCOT-MARIE-TOOTH DISEASE, TYPE 4B; CHARCOT-MARIE-TOOTH DISEASE, DEMYELINATING, TYPE 4B1. Identifiers: Orphanet 99955, MedGen C1832399, MONDO:0011066, OMIM 601382.

Allele frequency attached by ClinVar (database versions not stated): gnomAD exomes 0.35094 and 0.29774; ExAC 0.29799; ESP Exome Variant Server 0.29805; 1000 Genomes Project 30x 0.20550; gnomAD 0.28363 and 0.28009; 1000 Genomes Project 0.20927; TOPMed 0.28048.
gnomAD v4.1: 554,569 of 1,611,344 alleles (34%); highest among the groups gnomAD compares: Non-Finnish European, 38%; 100,716 homozygotes.

Submissions (11):

Labcorp Genetics (formerly Invitae), Labcorp
Classification: Benign for Charcot-Marie-Tooth disease type 4. Last evaluated: 2026-02-04. Review status: criteria provided, single submitter. Criteria: Invitae Variant Classification Sherloc (09022015). Collection method: clinical testing. Allele origin: germline.

Genome-Nilou Lab
Classification: Benign for Charcot-Marie-Tooth disease type 4B1. Last evaluated: 2021-09-05. Review status: criteria provided, single submitter. Criteria: ACMG Guidelines, 2015. Collection method: clinical testing. Allele origin: germline. Affected: no.

Illumina Laboratory Services, Illumina
Classification: Benign for Charcot-Marie-Tooth disease type 4B1. Last evaluated: 2018-01-13. Review status: criteria provided, single submitter. Criteria: ICSL Variant Classification Criteria 13 December 2019. Collection method: clinical testing. Allele origin: germline.
Comment: This variant was observed in the ICSL laboratory as part of a predisposition screen in an ostensibly healthy population. It had not been previously curated by ICSL or reported in the Human Gene Mutation Database (HGMD: prior to June 1st, 2018), and was therefore a candidate for classification through an automated scoring system. Utilizing variant allele frequency, disease prevalence and penetrance estimates, and inheritance mode, an automated score was calculated to assess if this variant is too frequent to cause the disease. Based on the score and internal cut-off values, a variant classified as benign is not then subjected to further curation. The score for this variant resulted in a classification of benign for this disease.

Athena Diagnostics
Classification: Benign for Charcot-Marie-Tooth disease type 4B1. Last evaluated: 2017-06-02. Review status: criteria provided, single submitter. Criteria: Athena Diagnostics Criteria. Collection method: clinical testing. Allele origin: germline.

Mayo Clinic Laboratories, Mayo Clinic
Classification: Benign. Last evaluated: 2016-03-01. Review status: criteria provided, single submitter. Criteria: ACMG Guidelines, 2015. Collection method: clinical testing. Allele origin: germline. Observed: 1,220 variant alleles.

GeneDx
Classification: Benign. Last evaluated: 2015-03-03. Review status: criteria provided, single submitter. Criteria: GeneDx Variant Classification Process June 2021. Collection method: clinical testing. Allele origin: germline. Affected: yes.

Breakthrough Genomics
Classification: Benign. Review status: criteria provided, single submitter. Criteria: ACMG Guidelines, 2015. Collection method: not provided. Allele origin: germline. Inheritance: Autosomal recessive inheritance. Affected: yes.

Molecular Genetics Laboratory, London Health Sciences Centre
Classification: Benign for Charcot-Marie-Tooth disease. Review status: criteria provided, single submitter. Criteria: ACMG Guidelines, 2015. Collection method: clinical testing. Allele origin: germline. Affected: yes.

PreventionGenetics, part of Exact Sciences
Classification: Benign. Review status: criteria provided, single submitter. Criteria: ACMG Guidelines, 2015. Collection method: clinical testing. Allele origin: germline.

Clinical Genetics, Academic Medical Center
Classification: Benign. Review status: no assertion criteria provided. Collection method: clinical testing. Allele origin: germline. Affected: yes. Study: VKGL Data-share Consensus. Not counted in ClinVar's aggregate classification.

Diagnostic Laboratory, Department of Genetics, University Medical Center Groningen
Classification: Benign for Charcot-Marie-Tooth disease type 4B1. Review status: no assertion criteria provided. Collection method: clinical testing. Allele origin: germline. Affected: yes. Study: VKGL Data-share Consensus. Not counted in ClinVar's aggregate classification.